The following is an entry in ClinVar:

ClinVar aggregate classification (germline): Pathogenic. Review status: criteria provided, multiple submitters, no conflicts (2 of 4 stars). 3 submissions from 3 submitters: Pathogenic (3). Last evaluated 2023-07-25.

Conditions:
Glycogen storage disease type III (GSD3). Also called: FORBES DISEASE; Cori disease. Identifiers: Orphanet 366, MedGen C0017922, MONDO:0009291, OMIM 232400.

Allele frequency attached by ClinVar (database versions not stated): gnomAD exomes 0.00001.
gnomAD v4.1: 6 of 1,613,614 alleles (0.00037%); highest among the groups gnomAD compares: Non-Finnish European, 0.00051%; no homozygotes.

Submissions (3):

Labcorp Genetics (formerly Invitae), Labcorp
Classification: Pathogenic for Glycogen storage disease type III. Last evaluated: 2023-07-25. Review status: criteria provided, single submitter. Criteria: Invitae Variant Classification Sherloc (09022015). Collection method: clinical testing. Allele origin: germline.
Comment: This variant has not been reported in the literature in individuals affected with AGL-related conditions. For these reasons, this variant has been classified as Pathogenic. ClinVar contains an entry for this variant (Variation ID: 661058). This variant is not present in population databases (gnomAD no frequency). This sequence change creates a premature translational stop signal (p.Ser1060*) in the AGL gene. It is expected to result in an absent or disrupted protein product. Loss-of-function variants in AGL are known to be pathogenic (PMID: 19299494).

Genome-Nilou Lab
Classification: Pathogenic for Glycogen storage disease type III. Last evaluated: 2023-04-11. Review status: criteria provided, single submitter. Criteria: ACMG Guidelines, 2015. Collection method: clinical testing. Allele origin: germline. Affected: no.

Victorian Clinical Genetics Services, Murdoch Childrens Research Institute
Classification: Pathogenic for Glycogen storage disease type III. Last evaluated: 2020-06-11. Review status: criteria provided, single submitter. Criteria: ACMG Guidelines, 2015. Collection method: clinical testing. Allele origin: germline. Inheritance: Autosomal recessive inheritance. Affected: yes.
Comment: Based on the classification scheme VCGS_Germline_v1.1.1, this variant is classified as Pathogenic. Following criteria are met: 0102 - Loss-of-function is a known mechanism of disease for this gene. (N) 0106 - This gene is known to be associated with autosomal recessive disease. (N) 0201 - Variant is predicted to cause nonsense-mediated decay (NMD) and loss of protein (exon 24 of 34). (P) 0251 - Variant is heterozygous. (N) 0301 - Variant is absent from gnomAD. (P) 0701 - Comparable variants have very strong previous evidence for pathogenicity. Many other NMD predicted variants have been reported in patients with glycogen storage disease III (GSD3) (ClinVar) (P) 0803 - Low previous evidence of pathogenicity in unrelated individuals. This variant has previously been reported in patients with GSD3 (ClinVar, PMID: 31661040) (P) 1201 - Heterozygous variant detected in trans with a second (at least likely) pathogenic heterozygous variant in a recessive disease. (N) Legend: (P) - Pathogenic, (N) - Neutral, (B) - Benign

Literature cited by the submitters: PubMed 19299494 (cited by Labcorp Genetics (formerly Invitae), Labcorp); PubMed 31661040 (cited by Victorian Clinical Genetics Services, Murdoch Childrens Research Institute).

NM_000642.3(AGL):c.3179C>G (p.Ser1060Ter)

Gene: AGL (amylo-alpha-1,6-glucosidase and 4-alpha-glucanotransferase; plus strand). Cytogenetic location: 1p21.2.
Variant type: single nucleotide variant.
Coding change: c.3179C>G on transcript NM_000642.3 (MANE Select); coding-DNA position 3179, C replaced by G.
Protein change: p.Ser1060Ter; replaces serine 1060 with a stop codon.
Molecular consequence: nonsense.
Genome position (GRCh38, 1-based): chr1:99,892,527, C>G. VCF-style: chr1-99892527-C-G. GRCh37 (hg19) VCF-style: chr1-100358083-C-G.
Other names: c.3179C>G, p.Ser1060Ter (NM_000028.3, NM_000643.3, NM_000644.3 and 1 more transcripts); c.3131C>G, p.Ser1044Ter (NM_000646.3); c.3158C>G, p.Ser1053Ter (NM_001425326.1); c.2978C>G, p.Ser993Ter (NM_001425327.1); c.2975C>G, p.Ser992Ter (NM_001425328.1); c.2840C>G, p.Ser947Ter (NM_001425329.1); c.2801C>G, p.Ser934Ter (NM_001425332.1); short protein forms S1060*, S1044*, S1053*, S934*, S947*, S992*, S993*.
Identifiers: ClinVar variation 661058 (VCV000661058.9), dbSNP rs774926455, ClinGen allele CA27527921.
Genomic context (GRCh38, chr1:99,892,527, plus strand): 5'-TTTCATTGGGTTCAGTTCAACTGTGTGGAGTAGGAAAATTCCCTTCCCTGCCAATTCTTT[C>G]ACCTGCCCTAATGGATGTACCTTATAGGTTAAATGAGATCACAAAAGAAAAGGAGCAATG-3'